The following is an entry in ClinVar:

NM_000093.5(COL5A1):c.2134-11G>C

Gene: COL5A1 (collagen type V alpha 1 chain; plus strand). Cytogenetic location: 9q34.3.
Variant type: single nucleotide variant.
Coding change: c.2134-11G>C on transcript NM_000093.5 (MANE Select); 11 bases into the intron before coding-DNA position 2134, G replaced by C.
Molecular consequence: intron variant.
Genome position (GRCh38, 1-based): chr9:134,766,989, G>C. VCF-style: chr9-134766989-G-C. GRCh37 (hg19) VCF-style: chr9-137658835-G-C.
Other names: c.2134-11G>C (NM_001278074.1).
Identifiers: ClinVar variation 212891 (VCV000212891.15), dbSNP rs369317619, ClinGen allele CA319765.
Genomic context (GRCh38, chr9:134,766,989, plus strand): 5'-GCACACGACACCCAGGAAGGGGATACAGTTCCCAGAGCCCCCTTCAGTGCCTTTGCTCTT[G>C]TCTCCTGTAGGGTCCCCAGGGAGAGCCTGGCCCCCCAGGACAGCAGGGTAATCCAGGCGC-3'

ClinVar aggregate classification (germline): Benign/Likely benign. Review status: criteria provided, multiple submitters, no conflicts (2 of 4 stars). 8 submissions from 7 submitters: Benign (5); Likely benign (3). Last evaluated 2025-12-29.

Conditions:
Ehlers-Danlos syndrome, classic type, 1 (EDSCL1). Also called: EHLERS-DANLOS SYNDROME, GRAVIS TYPE; EHLERS-DANLOS SYNDROME, SEVERE CLASSIC TYPE; Ehlers-Danlos syndrome, type 1; Ehlers-Danlos Syndrome, Classic Type, COL5A1-Related; EDS I. Identifiers: MedGen C0268335, MONDO:0019567, OMIM 130000.
Fibromuscular dysplasia, multifocal. Identifiers: MedGen C5543412, MONDO:0859151, OMIM 619329.

Allele frequency attached by ClinVar (database versions not stated): gnomAD 0.00009; gnomAD exomes 0.00013; ExAC 0.00014; TOPMed 0.00014; ESP Exome Variant Server 0.00015.
gnomAD v4.1: 184 of 1,613,294 alleles (0.011%); highest among the groups gnomAD compares: South Asian, 0.023%; no homozygotes.

Submissions (8):

Labcorp Genetics (formerly Invitae), Labcorp
Classification: Benign for Ehlers-Danlos syndrome, classic type, 1. Last evaluated: 2025-12-29. Review status: criteria provided, single submitter. Criteria: Invitae Variant Classification Sherloc (09022015). Collection method: clinical testing. Allele origin: germline.

Blueprint Genetics
Classification: Likely benign. Last evaluated: 2024-11-12. Review status: criteria provided, single submitter. Criteria: ACMG Guidelines, 2015. Collection method: clinical testing. Allele origin: germline.

Women's Health and Genetics/Laboratory Corporation of America, LabCorp
Classification: Benign. Last evaluated: 2023-08-10. Review status: criteria provided, single submitter. Criteria: LabCorp Variant Classification Summary - May 2015. Collection method: clinical testing. Allele origin: germline.

Genome-Nilou Lab
Classification: Benign for Ehlers-Danlos syndrome, classic type, 1. Last evaluated: 2022-03-15. Review status: criteria provided, single submitter. Criteria: ACMG Guidelines, 2015. Collection method: clinical testing. Allele origin: germline. Affected: no.

Genome-Nilou Lab
Classification: Benign for Fibromuscular dysplasia, multifocal. Last evaluated: 2022-03-15. Review status: criteria provided, single submitter. Criteria: ACMG Guidelines, 2015. Collection method: clinical testing. Allele origin: germline. Affected: no.

ARUP Laboratories, Molecular Genetics and Genomics, ARUP Laboratories
Classification: Likely benign. Last evaluated: 2022-02-28. Review status: criteria provided, single submitter. Criteria: ARUP Molecular Germline Variant Investigation Process 2021. Collection method: clinical testing. Allele origin: germline.

GeneDx
Classification: Benign. Last evaluated: 2014-12-24. Review status: criteria provided, single submitter. Criteria: GeneDx Variant Classification (06012015). Collection method: clinical testing. Allele origin: germline. Affected: yes.
Comment: This variant is considered likely benign or benign based on one or more of the following criteria: it is a conservative change, it occurs at a poorly conserved position in the protein, it is predicted to be benign by multiple in silico algorithms, and/or has population frequency not consistent with disease.

PreventionGenetics, part of Exact Sciences
Classification: Likely benign. Review status: criteria provided, single submitter. Criteria: ACMG Guidelines, 2015. Collection method: clinical testing. Allele origin: germline.